The following is an entry in ClinVar:

ClinVar aggregate classification (germline): Uncertain significance (1 of 4 stars; one submission).

Conditions:
MOBP-related disorder. Also called: MOBP-related condition.

Submission:

PreventionGenetics, part of Exact Sciences
Classification: Uncertain significance for MOBP-related condition. Last evaluated: 2023-07-17. Review status: criteria provided, single submitter. Criteria: ACMG Guidelines, 2015. Collection method: clinical testing. Allele origin: germline.
Comment: The MOBP c.206+5G>C variant is predicted to interfere with splicing. To our knowledge, this variant has not been reported in the literature or in a large population database, indicating this variant is rare. At this time, the clinical significance of this variant is uncertain due to the absence of conclusive functional and genetic evidence.

NM_001393704.1(MOBP):c.206+5G>C

Gene: MOBP (myelin associated oligodendrocyte basic protein; plus strand). Cytogenetic location: 3p22.1.
Variant type: single nucleotide variant.
Coding change: c.206+5G>C on transcript NM_001393704.1 (MANE Select); 5 bases into the intron after coding-DNA position 206, G replaced by C.
Molecular consequence: intron variant.
Genome position (GRCh38, 1-based): chr3:39,502,280, G>C. VCF-style: chr3-39502280-G-C. GRCh37 (hg19) VCF-style: chr3-39543771-G-C.
Other names: c.206+5G>C (NM_001278322.2, NM_182935.4, NM_001278323.2).
Identifiers: ClinVar variation 2631821 (VCV002631821.1), dbSNP rs768845645, ClinGen allele CA2695197892.